The following is an entry in ClinVar:

ClinVar aggregate classification (germline): Uncertain significance. Review status: criteria provided, multiple submitters, no conflicts (2 of 4 stars). 3 submissions from 3 submitters: Uncertain significance (3). Last evaluated 2026-02-23.

Conditions:
INPP5E-related disorder. Also called: INPP5E-related condition.
Joubert syndrome 1 (JBTS1). Also called: CEREBELLOPARENCHYMAL DISORDER IV; Cerebellooculorenal syndrome 1. Identifiers: MedGen C4551568, MONDO:0008944, OMIM 213300.
Joubert syndrome. Also called: Familial aplasia of the vermis; JOUBERT-BOLTSHAUSER SYNDROME. Identifiers: Orphanet 475, MedGen C5979921, MONDO:0018772.

Allele frequency attached by ClinVar (database versions not stated): gnomAD 0.00001 and 0.00003; gnomAD exomes 0.00001; TOPMed 0.00003.

Submissions (3):

PreventionGenetics, part of Exact Sciences
Classification: Uncertain significance for INPP5E-related condition. Last evaluated: 2026-02-23. Review status: criteria provided, single submitter. Criteria: ACMG Guidelines, 2015. Collection method: clinical testing. Allele origin: germline.
Comment: The INPP5E c.547C>T variant is predicted to result in the amino acid substitution p.Pro183Ser. To our knowledge, this variant has not been reported in the literature. This variant is reported in 0.0012% of alleles in individuals of European (Non-Finnish) descent in gnomAD. At this time, the clinical significance of this variant is uncertain due to the absence of conclusive functional and genetic evidence.

Labcorp Genetics (formerly Invitae), Labcorp
Classification: Uncertain significance for Joubert syndrome. Last evaluated: 2022-10-18. Review status: criteria provided, single submitter. Criteria: Invitae Variant Classification Sherloc (09022015). Collection method: clinical testing. Allele origin: germline.
Comment: This sequence change replaces proline, which is neutral and non-polar, with serine, which is neutral and polar, at codon 183 of the INPP5E protein (p.Pro183Ser). This variant is present in population databases (rs754964359, gnomAD 0.002%). This variant has not been reported in the literature in individuals affected with INPP5E-related conditions. ClinVar contains an entry for this variant (Variation ID: 365892). Advanced modeling of protein sequence and biophysical properties (such as structural, functional, and spatial information, amino acid conservation, physicochemical variation, residue mobility, and thermodynamic stability) performed at Invitae indicates that this missense variant is not expected to disrupt INPP5E protein function. In summary, the available evidence is currently insufficient to determine the role of this variant in disease. Therefore, it has been classified as a Variant of Uncertain Significance.

Illumina Laboratory Services, Illumina
Classification: Uncertain significance for Joubert syndrome 1. Last evaluated: 2018-01-13. Review status: criteria provided, single submitter. Criteria: ICSL Variant Classification Criteria 13 December 2019. Collection method: clinical testing. Allele origin: germline.

NM_019892.6(INPP5E):c.547C>T (p.Pro183Ser)

Gene: INPP5E (inositol polyphosphate-5-phosphatase E; minus strand). Cytogenetic location: 9q34.3.
Variant type: single nucleotide variant.
Coding change: c.547C>T on transcript NM_019892.6 (MANE Select); coding-DNA position 547, C replaced by T.
Protein change: p.Pro183Ser; replaces proline 183 with serine.
Molecular consequence: missense variant.
Genome position (GRCh38, 1-based): chr9:136,438,873, G>A on the plus strand (C>T on the coding strand, the complement: INPP5E is on the minus strand). VCF-style: chr9-136438873-G-A. GRCh37 (hg19) VCF-style: chr9-139333325-G-A.
Other names: c.547C>T, p.Pro183Ser (NM_001318502.2); c.547C>T (NM_019892.5); short protein forms P183S.
Identifiers: ClinVar variation 365892 (VCV000365892.12), dbSNP rs754964359, ClinGen allele CA5337139.